The following is an entry in ClinVar:

NM_001017995.3(SH3PXD2B):c.828GAA[1] (p.Lys277del)

Gene: SH3PXD2B (SH3 and PX domains 2B; minus strand). Cytogenetic location: 5q35.1.
Variant type: Microsatellite.
Coding change: c.828GAA[1] on transcript NM_001017995.3 (MANE Select); one copy of the 3-base unit GAA starting at c.828; the reference has two copies in a row; one copy, 3 bases deleted.
Protein change: p.Lys277del; deletes lysine 277.
Molecular consequence: inframe deletion.
Genome position (GRCh38, 1-based): chr5:172,350,542-172,350,544, TTC deleted on the plus strand (GAA on the coding strand, the reverse complement: SH3PXD2B is on the minus strand); deleting any 3 consecutive bases within chr5:172,350,542-172,350,549 gives the same sequence; the position shown is the placement nearest the transcript's 3' end. VCF-style (leftmost placement, unchanged base first): chr5-172350541-GTTC-G. GRCh37 (hg19) VCF-style: chr5-171777545-GTTC-G.
Other names: c.828GAA[1], p.Lys277del (NM_001308175.2); short protein forms K277del.
Identifiers: ClinVar variation 2148802 (VCV002148802.1), dbSNP rs749027616, ClinGen allele CA3561405.
Genomic context (GRCh38, chr5:172,350,541, plus strand): 5'-AAGGGCACCCGGGTGGGAGGGTGAGCCAGGGCCTGGCTTCGGGGGCAAGGGCTCCCCACT[GTTC>G]TTCTTTAGGTAGGAGGCGGGGGCCCAGCCTTCTTTGCCCTGGTACCTGTGAAGAGGAGGA-3'

ClinVar aggregate classification (germline): Uncertain significance (1 of 4 stars; one submission).

Submission:

Labcorp Genetics (formerly Invitae), Labcorp
Classification: Uncertain significance. Last evaluated: 2022-03-26. Review status: criteria provided, single submitter. Criteria: Invitae Variant Classification Sherloc (09022015). Collection method: clinical testing. Allele origin: germline.
Comment: This variant, c.831_833del, results in the deletion of 1 amino acid(s) of the SH3PXD2B protein (p.Lys277del), but otherwise preserves the integrity of the reading frame. This variant is present in population databases (rs749027616, gnomAD 0.008%). This variant has not been reported in the literature in individuals affected with SH3PXD2B-related conditions. Experimental studies and prediction algorithms are not available or were not evaluated, and the functional significance of this variant is currently unknown. In summary, the available evidence is currently insufficient to determine the role of this variant in disease. Therefore, it has been classified as a Variant of Uncertain Significance.